The following is an entry in ClinVar:

ClinVar aggregate classification (germline): Uncertain significance. Review status: criteria provided, multiple submitters, no conflicts (2 of 4 stars). 3 submissions from 3 submitters: Uncertain significance (3). Last evaluated 2025-06-15.

Conditions:
Cardiomyopathy (CMYO). Also called: Cardiomyopathies. Identifiers: Orphanet 167848, MedGen C0878544, MONDO:0004994, HP:0001638. Inheritance: Various modes of inheritance.
Hypertrophic cardiomyopathy. Also called: HYPERTROPHIC MYOCARDIOPATHY. Identifiers: Orphanet 217569, MedGen C0007194, MeSH D002312, MONDO:0005045, HP:0001639.

Allele frequency attached by ClinVar (database versions not stated): gnomAD 0.00001; TOPMed 0.00002.
gnomAD v4.1: 1 of 1,613,600 alleles (0.000062%); highest among the groups gnomAD compares: African/African-American, 0.0013%; no homozygotes.

Submissions (3):

Labcorp Genetics (formerly Invitae), Labcorp
Classification: Uncertain significance for Hypertrophic cardiomyopathy. Last evaluated: 2025-06-15. Review status: criteria provided, single submitter. Criteria: Invitae Variant Classification Sherloc (09022015). Collection method: clinical testing. Allele origin: germline.
Comment: This sequence change replaces glutamic acid, which is acidic and polar, with lysine, which is basic and polar, at codon 103 of the MYL3 protein (p.Glu103Lys). This variant is not present in population databases (gnomAD no frequency). This variant has not been reported in the literature in individuals affected with MYL3-related conditions. ClinVar contains an entry for this variant (Variation ID: 1414751). An algorithm developed to predict the effect of missense changes on protein structure and function (PolyPhen-2) suggests that this variant is likely to be disruptive. Algorithms developed to predict the effect of sequence changes on RNA splicing suggest that this variant may disrupt the consensus splice site. In summary, the available evidence is currently insufficient to determine the role of this variant in disease. Therefore, it has been classified as a Variant of Uncertain Significance.

All of Us Research Program, National Institutes of Health
Classification: Uncertain significance for Hypertrophic cardiomyopathy. Last evaluated: 2023-10-06. Review status: criteria provided, single submitter. Criteria: ACMG Guidelines, 2015. Collection method: clinical testing. Allele origin: germline. Inheritance: Autosomal dominant inheritance. Observed: 2 variant alleles, 2 heterozygotes.
Comment: This missense variant replaces glutamic acid with lysine at codon 103 of the MYL3 protein. Computational prediction suggests that this variant may not impact protein structure and function (internally defined REVEL score threshold <= 0.5, PMID: 27666373). Splice prediction tools suggest that this variant may disrupt RNA splicing. To our knowledge, functional studies have not been reported for this variant. To our knowledge, functional studies have not been reported for this variant. This variant has not been reported in individuals affected with MYL3-related disorders in the literature. This variant has not been identified in the general population by the Genome Aggregation Database (gnomAD). The available evidence is insufficient to determine the role of this variant in disease conclusively. Therefore, this variant is classified as a Variant of Uncertain Significance.

This study involves interpretation of variants in research participants for the purpose of population health screening. Participant phenotype was not available at the time of variant classification. Additional details can be found in publication PMID: 35346344, PMCID: PMC8962531

Color Diagnostics, LLC DBA Color Health
Classification: Uncertain significance for Cardiomyopathy. Last evaluated: 2023-09-20. Review status: criteria provided, single submitter. Criteria: ACMG Guidelines, 2015. Collection method: clinical testing. Allele origin: germline.
Comment: This missense variant replaces glutamic acid with lysine at codon 103 of the MYL3 protein. Computational prediction suggests that this variant may not impact protein structure and function (internally defined REVEL score threshold <= 0.5, PMID: 27666373). Splice prediction tools suggest that this variant may disrupt RNA splicing. To our knowledge, functional studies have not been reported for this variant. To our knowledge, functional studies have not been reported for this variant. This variant has not been reported in individuals affected with MYL3-related disorders in the literature. This variant has not been identified in the general population by the Genome Aggregation Database (gnomAD). The available evidence is insufficient to determine the role of this variant in disease conclusively. Therefore, this variant is classified as a Variant of Uncertain Significance.

NM_000258.3(MYL3):c.307G>A (p.Glu103Lys)

Gene: MYL3 (myosin light chain 3; minus strand). Cytogenetic location: 3p21.31.
Variant type: single nucleotide variant.
Coding change: c.307G>A on transcript NM_000258.3 (MANE Select); coding-DNA position 307, G replaced by A.
Protein change: p.Glu103Lys; replaces glutamic acid 103 with lysine.
Molecular consequence: missense variant.
Genome position (GRCh38, 1-based): chr3:46,860,676, C>T on the plus strand (G>A on the coding strand, the complement: MYL3 is on the minus strand). VCF-style: chr3-46860676-C-T. GRCh37 (hg19) VCF-style: chr3-46902166-C-T.
Other names: short protein forms E103K.
Identifiers: ClinVar variation 1414751 (VCV001414751.11), dbSNP rs1479071663, ClinGen allele CA352497734.
Genomic context (GRCh38, chr3:46,860,676, plus strand): 5'-GCCCACCCAGCCAGTCTCCCCGGTACTAACACTATGGGGGCTCTCGGGCAGGTGCACTAC[C>T]TTCCTGTCTTGGCTTCCCCAGGACACGGAGCACTTCTGCCTGTGTGGGGTTCTGGCCCAG-3'
Protein context (NP_000249.1, residues 93-113): LRVLGKPRQE[Glu103Lys]LNTKMMDFET